The following continues an entry in ClinVar:

NM_000257.4(MYH7):c.1988G>A (p.Arg663His)

Gene: MYH7. ClinVar aggregate classification (germline): Pathogenic. Pathogenic (1).

Submissions 9 to 16 of 36:

All of Us Research Program, National Institutes of Health
Classification: Pathogenic for Hypertrophic cardiomyopathy. Last evaluated: 2024-08-31. Review status: criteria provided, single submitter. Criteria: ACMG Guidelines, 2015. Collection method: clinical testing. Allele origin: germline. Inheritance: Autosomal dominant inheritance. Observed: 3 variant alleles, 3 heterozygotes. Not counted in ClinVar's aggregate classification.
Comment: This missense variant replaces arginine with histidine at codon 663 of the MYH7 protein. This variant is found within a highly conserved region of the myosin head domain. Missense variants in this region have been shown to be significantly overrepresented in individuals with hypertrophic cardiomyopathy (PMID: 27532257). Computational prediction suggests that this variant may have a deleterious impact on protein structure and function. Functional studies shown that this variant affects MYH7 protein function and causes arrhythmias and abnormal Ca2+ transients (PMID: 23290139). This variant has been reported in over 30 unrelated individuals affected with hypertrophic cardiomyopathy (PMID: 15358028, 16199542, 18403758, 23396983, 24093860, 24793961, 25086479, 26914223, 27532257, 29907873, 31513939, 31737537, 31931472) and has been shown to segregate with disease in multiple affected individuals across several families (PMID: 10750581, 11133230, 23290139). This variant is thought to cause later-onset hypertrophic cardiomyopathy with mild clinical symptoms (PMID: 11133230). This variant has been identified in 4/282842 chromosomes in the general population by the Genome Aggregation Database (gnomAD). A different variant affecting the same codon, p.Arg663Cys, is considered to be disease-causing (ClinVar variation ID: 42874), suggesting that arginine at this position is important for MYH7 protein function. Based on the available evidence, this variant is classified as Pathogenic.

This study involves interpretation of variants in research participants for the purpose of population health screening. Participant phenotype was not available at the time of variant classification. Additional details can be found in publication PMID: 35346344, PMCID: PMC8962531

Mayo Clinic Laboratories, Mayo Clinic
Classification: Pathogenic. Last evaluated: 2023-10-17. Review status: criteria provided, single submitter. Criteria: ACMG Guidelines, 2015. Collection method: clinical testing. Allele origin: germline. Observed: 2 variant alleles. Not counted in ClinVar's aggregate classification.
Comment: PP1_strong, PM1, PM2, PS3_moderate, PS4

3billion
Classification: Pathogenic for Hypertrophic cardiomyopathy 1. Last evaluated: 2023-08-28. Review status: criteria provided, single submitter. Criteria: ACMG Guidelines, 2015. Collection method: clinical testing. Allele origin: germline. Affected: yes. Not counted in ClinVar's aggregate classification.
Comment: The variant is observed at an extremely low frequency in the gnomAD v2.1.1 dataset (total allele frequency: 0.001%). Predicted Consequence/Location: The variant is located in a mutational hot spot and/or well-established functional domain in which established pathogenic variants have been reported (PMID: 29300372). In silico tool predictions suggest damaging effect of the variant on gene or gene product [REVEL: 0.74 (>=0.6, sensitivity 0.68 and specificity 0.92); 3Cnet: 0.89 (>=0.6, sensitivity 0.72 and precision 0.9)]. Same nucleotide change resulting in same amino acid change has been previously reported as pathogenic/likely pathogenic with strong evidence (ClinVar ID: VCV000042875 /PMID: 10750581 /3billion dataset). The variant has been observed in multiple (>3) similarly affected unrelated individuals (PMID: 10750581, 11133230, 12707239, 15358028, 15563892, 16199542, 27532257, 30297972). The variant has been previously reported as assumed (i.e. paternity and maternity not confirmed) de novo in at least one similarly affected unrelated individual (3billion dataset). The variant has been reported to co-segregate with the disease in at least 7 similarly affected relatives/individuals in at least two unrelated families (PMID: 10750581, 30297972). Different missense changes at the same codon (p.Arg663Cys, p.Arg663Ser) have been reported as pathogenic/likely pathogenic with strong evidence (ClinVar ID: VCV000042874, VCV000930519 /PMID: 12707239, 15358028). Therefore, this variant is classified as Pathogenic according to the recommendation of ACMG/AMP guideline.

CHEO Genetics Diagnostic Laboratory, Children's Hospital of Eastern Ontario
Classification: Pathogenic for Cardiomyopathy. Last evaluated: 2022-12-02. Review status: criteria provided, single submitter. Criteria: ACMG Guidelines, 2015. Collection method: clinical testing. Allele origin: germline. Not counted in ClinVar's aggregate classification.

GeneDx
Classification: Pathogenic. Last evaluated: 2022-06-01. Review status: criteria provided, single submitter. Criteria: GeneDx Variant Classification Process June 2021. Collection method: clinical testing. Allele origin: germline. Affected: yes. Not counted in ClinVar's aggregate classification.
Comment: Not observed at significant frequency in large population cohorts (gnomAD); In silico analysis supports that this missense variant has a deleterious effect on protein structure/function; Functional studies using patient derived cells demonstrated p.(R663H) is strongly implicated in the dysregulation of calcium ion cycling, causing elevation of calcium ions which can induce both cellular hypertrophy and contractile arrhythmia (Lan et al., 2013); This variant is associated with the following publications: (PMID: 23283745, 25637381, 23299917, 15563892, 27247418, 23396983, 11133230, 16199542, 28718902, 28573431, 15358028, 17125710, 15858117, 20800588, 23233322, 30984009, 24566549, 20087448, 24093860, 22857948, 18403758, 21959974, 19150014, 23054336, 23711808, 26936621, 12820698, 10750581, 28166811, 26914223, 21310275, 27532257, 25132132, 23690394, 17560888, 27600940, 27639548, 18533079, 29300372, 29121657, 29907873, 30217213, 12707239, 22112859, 31006259, 30685992, 30324321, 31931472, 31513939, 31737537, 32284968, 31447099, 33673806, 33586461, 32746448, 33407484, 32894683, 25086479, 23290139, 34137518, 33658040, 33906374, 24704860)

Clinical Genetics Laboratory, Skane University Hospital Lund
Classification: Pathogenic. Last evaluated: 2022-05-27. Review status: criteria provided, single submitter. Criteria: ACMG Guidelines, 2015. Collection method: clinical testing. Allele origin: germline. Affected: yes. Not counted in ClinVar's aggregate classification.

Ambry Genetics
Classification: Pathogenic for Cardiovascular phenotype. Last evaluated: 2022-03-08. Review status: criteria provided, single submitter. Criteria: Ambry General Variant Classification Scheme_2022. Collection method: clinical testing. Allele origin: germline. Observed: 1 variant allele. Not counted in ClinVar's aggregate classification.
Comment: The p.R663H pathogenic mutation (also known as c.1988G>A), located in coding exon 16 of the MYH7 gene, results from a G to A substitution at nucleotide position 1988. The arginine at codon 663 is replaced by histidine, an amino acid with highly similar properties. This alteration has been reported in multiple unrelated individuals with hypertrophic cardiomyopathy (HCM) and co-segregated with disease in multiple families (Gruver EJ et al. Am J Cardiol. 1999;83(12A):13H-18H; Greber-Platzer S et al. J Mol Cell Cardiol. 2001;33(1):141-8; Ingles J et al. J Med Genet. 2005;42(10):e59; Keller DI et al. Int J Cardiol. 2009;134(3):e87-93; Bos JM et al. Mayo Clin Proc. 2014;89(6):727-37; Bales ND et al. Pediatr Cardiol, 2016 Jun;37:845-51). A study of induced pluripotent stem cell cardiomyocytes derived from individuals with this alteration reported that disease characteristics and abnormal calcium handling were demonstrated at the cellular-level (Lan F et al. Cell Stem Cell. 2013;12(1):101-13). In addition, two other alterations at the same codon, p.R633S (c.1987C>A) and p.R663C (c.1987C>T), have also been reported in association with HCM (Richard P et al. Circulation. 2003;107(17):2227-32; Van Driest SL et al. J Am Coll Cardiol. 2004;44(3):602-10; Song L et al. Clin Chim Acta. 2005;351(1-2):209-16). Based on the supporting evidence, this alteration is interpreted as a disease-causing mutation.

AiLife Diagnostics
Classification: Pathogenic. Last evaluated: 2022-01-20. Review status: criteria provided, single submitter. Criteria: ACMG Guidelines, 2015. Collection method: clinical testing. Allele origin: germline. Affected: yes. Observed: 2 variant alleles. Not counted in ClinVar's aggregate classification.